The following is an entry in ClinVar:

ClinVar aggregate classification (germline): Uncertain significance (1 of 4 stars; one submission).

Allele frequency attached by ClinVar (database versions not stated): gnomAD exomes below 0.00001.

Submission:

Labcorp Genetics (formerly Invitae), Labcorp
Classification: Uncertain significance. Last evaluated: 2021-04-05. Review status: criteria provided, single submitter. Criteria: Invitae Variant Classification Sherloc (09022015). Collection method: clinical testing. Allele origin: germline.
Comment: In summary, the available evidence is currently insufficient to determine the role of this variant in disease. Therefore, it has been classified as a Variant of Uncertain Significance. Algorithms developed to predict the effect of sequence changes on RNA splicing suggest that this variant may create or strengthen a splice site, but this prediction has not been confirmed by published transcriptional studies. Advanced modeling of protein sequence and biophysical properties (such as structural, functional, and spatial information, amino acid conservation, physicochemical variation, residue mobility, and thermodynamic stability) performed at Invitae indicates that this missense variant is not expected to disrupt SLC12A6 protein function. This variant has not been reported in the literature in individuals with SLC12A6-related conditions. This variant is not present in population databases (ExAC no frequency). This sequence change replaces methionine with isoleucine at codon 329 of the SLC12A6 protein (p.Met329Ile). The methionine residue is highly conserved and there is a small physicochemical difference between methionine and isoleucine.

NM_001365088.1(SLC12A6):c.987G>A (p.Met329Ile)

Gene: SLC12A6 (solute carrier family 12 member 6; minus strand). Cytogenetic location: 15q14.
Variant type: single nucleotide variant.
Coding change: c.987G>A on transcript NM_001365088.1 (MANE Select); coding-DNA position 987, G replaced by A.
Protein change: p.Met329Ile; replaces methionine 329 with isoleucine.
Molecular consequence: missense variant.
Genome position (GRCh38, 1-based): chr15:34,254,479, C>T on the plus strand (G>A on the coding strand, the complement: SLC12A6 is on the minus strand). VCF-style: chr15-34254479-C-T. GRCh37 (hg19) VCF-style: chr15-34546680-C-T.
Other names: c.810G>A, p.Met270Ile (NM_001042494.2, NM_001042495.2); c.960G>A, p.Met320Ile (NM_001042496.2); c.942G>A, p.Met314Ile (NM_001042497.2); c.834G>A, p.Met278Ile (NM_005135.2); c.987G>A, p.Met329Ile (NM_133647.2); short protein forms M270I, M329I, M314I, M320I, M278I.
Identifiers: ClinVar variation 1384936 (VCV001384936.8), dbSNP rs1244690559, ClinGen allele CA391609220.
Genomic context (GRCh38, chr15:34,254,479, plus strand): 5'-GGCCAGGAAAAGTGAGGCAAACTTGTTCACATAGCGTACGCCGATAAATACCACTAATAC[C>T]ATAAGGACCAAGAAAGCTGTGCCGTAGACACGCATGTTATTTAGCATGGCTGCTGATTCC-3'
Protein context (NP_001352017.1, residues 319-339): RVYGTAFLVL[Met329Ile]VLVVFIGVRY